The following is an entry in ClinVar:

ClinVar aggregate classification (germline): Uncertain significance (1 of 4 stars; one submission).

Conditions:
Hereditary cancer-predisposing syndrome. Also called: Neoplastic Syndromes, Hereditary; Tumor predisposition; Hereditary Cancer Syndrome; Hereditary neoplastic syndrome. Identifiers: Orphanet 140162, MedGen C0027672, MeSH D009386, MONDO:0015356.

Submission:

Ambry Genetics
Classification: Uncertain significance for Hereditary cancer-predisposing syndrome. Last evaluated: 2018-05-25. Review status: criteria provided, single submitter. Criteria: Ambry Variant Classification Scheme 2023. Collection method: clinical testing. Allele origin: germline.
Comment: The p.T1082I variant (also known as c.3245C>T), located in coding exon 19 of the BRIP1 gene, results from a C to T substitution at nucleotide position 3245. The threonine at codon 1082 is replaced by isoleucine, an amino acid with similar properties. This amino acid position is not well conserved in available vertebrate species. In addition, this alteration is predicted to be tolerated by in silico analysis. Since supporting evidence is limited at this time, the clinical significance of this alteration remains unclear.

NM_032043.3(BRIP1):c.3245C>T (p.Thr1082Ile)

Gene: BRIP1 (BRCA1 interacting DNA helicase 1; minus strand). Cytogenetic location: 17q23.2.
Variant type: single nucleotide variant.
Coding change: c.3245C>T on transcript NM_032043.3 (MANE Select); coding-DNA position 3245, C replaced by T.
Protein change: p.Thr1082Ile; replaces threonine 1082 with isoleucine.
Molecular consequence: missense variant.
Genome position (GRCh38, 1-based): chr17:61,683,801, G>A on the plus strand (C>T on the coding strand, the complement: BRIP1 is on the minus strand). VCF-style: chr17-61683801-G-A. GRCh37 (hg19) VCF-style: chr17-59761162-G-A.
Other names: short protein forms T1082I.
Identifiers: ClinVar variation 1729336 (VCV001729336.2), dbSNP rs1603275338, ClinGen allele CA400479142.